The following is an entry in ClinVar:

NM_001374385.1(ATP8B1):c.2543_2556dup (p.Phe853fs)

Genes: ATP8B1-AS1 (ATP8B1 antisense RNA 1; plus strand), ATP8B1 (ATPase phospholipid transporting 8B1; minus strand). Cytogenetic location: 18q21.31.
Variant type: Duplication.
Coding change: c.2543_2556dup on transcript NM_001374385.1 (MANE Select); coding-DNA positions 2543 to 2556, 14 bases duplicated (AGCGGCAGAAAAAC).
Protein change: p.Phe853fs; shifts the reading frame from phenylalanine 853.
Molecular consequence: frameshift variant.
Genome position (GRCh38, 1-based): chr18:57,661,325-57,661,338, GTTTTTCTGCCGCT duplicated on the plus strand (AGCGGCAGAAAAAC on the coding strand, the reverse complement: ATP8B1 is on the minus strand); duplicating any 14 consecutive bases within chr18:57,661,325-57,661,339 gives the same sequence; the c. name uses the placement nearest the transcript's 3' end. VCF-style (leftmost placement, unchanged base first): chr18-57661324-A-AGTTTTTCTGCCGCT. GRCh37 (hg19) VCF-style: chr18-55328556-A-AGTTTTTCTGCCGCT.
Other names: c.2393_2406dup, p.Phe803fs (NM_001374386.1); c.2543_2556dup, p.Phe853fs (NM_005603.6); short protein forms F803fs, F853fs.
Identifiers: ClinVar variation 4846035 (VCV004846035.1).

ClinVar aggregate classification (germline): Pathogenic (1 of 4 stars; one submission).

Conditions:
Familial intrahepatic cholestasis. Identifiers: Orphanet 284385, MedGen CN296401, MONDO:0017290.

Submission:

Genomenon, Inc
Classification: Pathogenic for Familial intrahepatic cholestasis. Last evaluated: 2026-04-14. Review status: criteria provided, single submitter. Criteria: Genomenon Sequence Variant Interpretation Standards - Updated. Collection method: curation. Allele origin: germline. Affected: yes.
Comment: ATP8B1 p.Phe853SerfsTer33 (c.2543_2556dup) is a frameshift variant that results in the production of a truncated protein which is predicted to undergo nonsense-mediated mRNA decay. This variant has been observed in at least one proband with features of ATP8B1-deficiency (PMID:15239083). It is absent or not present at a significant frequency in gnomAD. In conclusion, we classify ATP8B1 p.Phe853SerfsTer33 (c.2543_2556dup) as a pathogenic variant.

Literature cited by the submitters: PubMed 15239083.